The following is an entry in ClinVar:

ClinVar aggregate classification (germline): Uncertain significance (1 of 4 stars; one submission).

Submission:

Ambry Genetics
Classification: Uncertain significance. Last evaluated: 2024-04-07. Review status: criteria provided, single submitter. Criteria: Ambry Variant Classification Scheme 2023. Collection method: clinical testing. Allele origin: germline.
Comment: The p.C33R variant (also known as c.97T>C), located in coding exon 1 of the ALPK2 gene, results from a T to C substitution at nucleotide position 97. The cysteine at codon 33 is replaced by arginine, an amino acid with highly dissimilar properties. This amino acid position is conserved. In addition, this alteration is predicted to be deleterious by in silico analysis. Based on the available evidence, the clinical significance of this variant remains unclear.

NM_052947.4(ALPK2):c.97T>C (p.Cys33Arg)

Gene: ALPK2 (alpha kinase 2; minus strand). Cytogenetic location: 18q21.32.
Variant type: single nucleotide variant.
Coding change: c.97T>C on transcript NM_052947.4 (MANE Select); coding-DNA position 97, T replaced by C.
Protein change: p.Cys33Arg; replaces cysteine 33 with arginine.
Molecular consequence: missense variant.
Genome position (GRCh38, 1-based): chr18:58,611,701, A>G on the plus strand (T>C on the coding strand, the complement: ALPK2 is on the minus strand). VCF-style: chr18-58611701-A-G. GRCh37 (hg19) VCF-style: chr18-56278933-A-G.
Other names: short protein forms C33R.
Identifiers: ClinVar variation 3289323 (VCV003289323.1).